The following is an entry in ClinVar:

NM_001363711.2(DUOX2):c.4081-1G>A

Gene: DUOX2 (dual oxidase 2; minus strand). Cytogenetic location: 15q21.1.
Variant type: single nucleotide variant.
Coding change: c.4081-1G>A on transcript NM_001363711.2 (MANE Select); the canonical splice acceptor site of the intron before coding-DNA position 4081, G replaced by A.
Molecular consequence: splice acceptor variant.
Genome position (GRCh38, 1-based): chr15:45,095,596, C>T on the plus strand (G>A on the coding strand, the complement: DUOX2 is on the minus strand). VCF-style: chr15-45095596-C-T. GRCh37 (hg19) VCF-style: chr15-45387794-C-T.
Other names: c.4081-1G>A (NM_014080.5).
Identifiers: ClinVar variation 984928 (VCV000984928.6), dbSNP rs549559724, ClinGen allele CA7537624.

ClinVar aggregate classification (germline): Likely pathogenic. Review status: criteria provided, multiple submitters, no conflicts (2 of 4 stars). 2 submissions from 2 submitters: Likely pathogenic (2). Last evaluated 2026-01-07.

Conditions:
Thyroid dyshormonogenesis 6 (TDH6). Also called: HYPOTHYROIDISM, CONGENITAL, DUE TO DYSHORMONOGENESIS, 6; Genetic transient congenital hypothyroidism; THYROID HORMONOGENESIS, GENETIC DEFECT IN, 6. Identifiers: Orphanet 226316, Orphanet 95716, MedGen C1846632, MONDO:0011792, OMIM 607200.

Allele frequency attached by ClinVar (database versions not stated): ExAC 0.00002; gnomAD exomes 0.00002 and 0.00003; TOPMed 0.00002; gnomAD 0.00003; 1000 Genomes Project 0.00020; 1000 Genomes Project 30x 0.00031.
gnomAD v4.1: 53 of 1,614,202 alleles (0.0033%); highest among the groups gnomAD compares: Non-Finnish European, 0.0043%; no homozygotes.

Submissions (2):

Labcorp Genetics (formerly Invitae), Labcorp
Classification: Likely pathogenic. Last evaluated: 2026-01-07. Review status: criteria provided, single submitter. Criteria: Invitae Variant Classification Sherloc (09022015). Collection method: clinical testing. Allele origin: germline.
Comment: This sequence change affects an acceptor splice site in intron 30 of the DUOX2 gene. It is expected to disrupt RNA splicing. Variants that disrupt the donor or acceptor splice site typically lead to a loss of protein function (PMID: 16199547), and loss-of-function variants in DUOX2 are known to be pathogenic (PMID: 12110737, 18765513, 21565790, 24423310, 24735383). This variant is present in population databases (rs549559724, gnomAD 0.004%). This variant has not been reported in the literature in individuals affected with DUOX2-related conditions. ClinVar contains an entry for this variant (Variation ID: 984928). Algorithms developed to predict the effect of sequence changes on RNA splicing suggest that this variant may disrupt the consensus splice site. In summary, the currently available evidence indicates that the variant is pathogenic, but additional data are needed to prove that conclusively. Therefore, this variant has been classified as Likely Pathogenic.

Rady Children's Institute for Genomic Medicine, Rady Children's Hospital San Diego
Classification: Likely pathogenic for THYROID DYSHORMONOGENESIS 6. Last evaluated: 2019-09-24. Review status: criteria provided, single submitter. Criteria: ACMG Guidelines, 2015. Collection method: clinical testing. Allele origin: germline. Affected: yes.
Comment: This variant affects the canonical splice acceptor site of intron 30 of 33, and is therefore predicted to interfere with splicing and result in loss of normal protein function. This variant has not been previously reported in an affected individual or functionally characterized in the literature to our knowledge. It is present in the heterozygous state in the gnomAD population database at a frequency of 0.002% (5/246172) and thus is presumed to be rare. Multiple splice prediction tools suggest this variant is likely to interfere with normal splicing. Based on the available evidence, the c.4081-1G>A variant is classified as Likely Pathogenic.

Literature cited by the submitters: PubMed 16199547 (cited by Labcorp Genetics (formerly Invitae), Labcorp); PubMed 12110737 (cited by Labcorp Genetics (formerly Invitae), Labcorp); PubMed 18765513 (cited by Labcorp Genetics (formerly Invitae), Labcorp); PubMed 21565790 (cited by Labcorp Genetics (formerly Invitae), Labcorp); PubMed 24423310 (cited by Labcorp Genetics (formerly Invitae), Labcorp); PubMed 24735383 (cited by Labcorp Genetics (formerly Invitae), Labcorp).